The following is an entry in ClinVar:

NC_000017.10:g.(?_41222945)_(41228631_?)dup

Gene: BRCA1 (BRCA1 DNA repair associated; minus strand). Cytogenetic location: 17q21.31.
Variant type: Duplication.
Identifiers: ClinVar variation 2425745 (VCV002425745.6).

ClinVar aggregate classification (germline): Pathogenic (1 of 4 stars; one submission).

Conditions:
Hereditary breast ovarian cancer syndrome. Also called: Hereditary breast and ovarian cancer syndrome (HBOC); Breast and ovarian cancer; Hereditary breast and/or ovarian cancer syndrome; Hereditary breast and ovarian cancer; BRCA1- and BRCA2-Associated Hereditary Breast and Ovarian Cancer; Hereditary breast and ovarian cancer syndrome. Identifiers: Orphanet 145, MedGen C0677776, MeSH D061325, MONDO:0003582. Disease mechanism: loss of function.

Submission:

Labcorp Genetics (formerly Invitae), Labcorp
Classification: Pathogenic for Hereditary breast ovarian cancer syndrome. Last evaluated: 2022-04-11. Review status: criteria provided, single submitter. Criteria: Invitae Variant Classification Sherloc (09022015). Collection method: clinical testing. Allele origin: germline.
Comment: This variant results in a copy number gain of the genomic region encompassing exon(s) 13-15 of the BRCA1 gene. While the exact position of this variant cannot be determined from the data, sub-genic copy number gains are generally in tandem (PMID: 25640679). This variant is predicted to be out-of-frame, and may result in an absent or disrupted protein product. Loss-of-function variants in BRCA1 are known to be pathogenic (PMID: 20104584). A similar copy number variant has been observed in individual(s) with undergoing genetic counseling for hereditary breast and/or ovarian cancer syndrome (PMID: 18330910). For these reasons, this variant has been classified as Pathogenic.

Literature cited by the submitters: PubMed 25640679; PubMed 20104584; PubMed 18330910.